The following is an entry in ClinVar:

ClinVar aggregate classification (germline): Pathogenic/Likely pathogenic. Review status: criteria provided, multiple submitters, no conflicts (2 of 4 stars). 3 submissions from 3 submitters: Pathogenic (2); Likely pathogenic (1). Last evaluated 2025-05-21.

Conditions:
Lysosomal acid lipase deficiency. Also called: Acid cholesteryl ester hydrolase deficiency, type 2. Identifiers: Orphanet 275761, MedGen C5574740, MONDO:0800449, MONDO:0010204.
Wolman disease (WOLD). Also called: Acid cholesteryl ester hydrolase deficiency, Wolman type; Acid lipase disease; Wolman disease, CESD; LYSOSOMAL ACID LIPASE DEFICIENCY, ACUTE INFANTILE; LYSOSOMAL ACID LIPASE DEFICIENCY, COMPLETE; LIPA DEFICIENCY, COMPLETE. Identifiers: Orphanet 75233, MedGen C0043208, MONDO:0019148, OMIM 620151.

Allele frequency attached by ClinVar (database versions not stated): gnomAD 0.00001; gnomAD exomes 0.00002.
gnomAD v4.1: 6 of 1,614,078 alleles (0.00037%); highest among the groups gnomAD compares: Admixed American, 0.01%; no homozygotes.

Submissions (3):

Labcorp Genetics (formerly Invitae), Labcorp
Classification: Pathogenic for Wolman disease. Last evaluated: 2025-05-21. Review status: criteria provided, single submitter. Criteria: Invitae Variant Classification Sherloc (09022015). Collection method: clinical testing. Allele origin: germline.
Comment: This sequence change replaces histidine, which is basic and polar, with arginine, which is basic and polar, at codon 129 of the LIPA protein (p.His129Arg). This variant is present in population databases (no rsID available, gnomAD 0.01%). This missense change has been observed in individual(s) with cholesteryl ester storage disease (PMID: 9633819, 30684275, 31113597). In at least one individual the data is consistent with being in trans (on the opposite chromosome) from a pathogenic variant. This variant is also known as His108Arg. ClinVar contains an entry for this variant (Variation ID: 695055). Invitae Evidence Modeling of protein sequence and biophysical properties (such as structural, functional, and spatial information, amino acid conservation, physicochemical variation, residue mobility, and thermodynamic stability) indicates that this missense variant is expected to disrupt LIPA protein function with a positive predictive value of 95%. Experimental studies have shown that this missense change affects LIPA function (PMID: 29196158, 31131398). Algorithms developed to predict the effect of sequence changes on RNA splicing suggest that this variant may disrupt the consensus splice site. For these reasons, this variant has been classified as Pathogenic.

Natera, Inc.
Classification: Pathogenic for Lysosomal acid lipase deficiency. Last evaluated: 2025-03-10. Review status: criteria provided, single submitter. Criteria: Natera Variant Classification Schema (03/2026). Collection method: clinical testing. Allele origin: germline.
Comment: The c.386A>G variant in LIPA is a missense variant predicted to cause substitution of histidine to arginine at amino acid 129. This variant is rare in the general population with a frequency below the threshold expected for the associated phenotype(s). This variant has been observed in one or more individuals affected with the associated recessive disease, as either homozygous or compound heterozygous with a second variant (PMID: 31113597, 31182375, 30684275, 28220406). Functional studies show that this variant may disrupt protein function (PMID: 31113597, 31180157, 9633819). Computational prediction algorithms indicate this variant is likely to affect gene or protein function. Given the available evidence, this variant is classified as Pathogenic.

Alexion, Astrazeneca Rare Disease, Astrazeneca
Classification: Likely pathogenic for Lysosomal acid lipase deficiency. Last evaluated: 2019-06-01. Review status: criteria provided, single submitter. Criteria: ACMG Guidelines, 2015. Collection method: research. Allele origin: germline. Affected: yes.
Comment: ACMG PS3 criterion ascertained by in-vitro functional study, PMID:31180157

Literature cited by the submitters: PubMed 9633819 (cited by Labcorp Genetics (formerly Invitae), Labcorp and Natera, Inc.); PubMed 30684275 (cited by Labcorp Genetics (formerly Invitae), Labcorp and Natera, Inc.); PubMed 31113597 (cited by Labcorp Genetics (formerly Invitae), Labcorp and Natera, Inc.); PubMed 29196158 (cited by Labcorp Genetics (formerly Invitae), Labcorp); PubMed 31131398 (cited by Labcorp Genetics (formerly Invitae), Labcorp); PubMed 31182375 (cited by Natera, Inc.); PubMed 28220406 (cited by Natera, Inc.); PubMed 31180157 (cited by Natera, Inc. and Alexion, Astrazeneca Rare Disease, Astrazeneca); PubMed 24792990 (cited by Alexion, Astrazeneca Rare Disease, Astrazeneca).

NM_000235.4(LIPA):c.386A>G (p.His129Arg)

Gene: LIPA (lipase A, lysosomal acid type; minus strand). Cytogenetic location: 10q23.31.
Variant type: single nucleotide variant.
Coding change: c.386A>G on transcript NM_000235.4 (MANE Select); coding-DNA position 386, A replaced by G.
Protein change: p.His129Arg; replaces histidine 129 with arginine.
Molecular consequence: missense variant.
Genome position (GRCh38, 1-based): chr10:89,228,242, T>C on the plus strand (A>G on the coding strand, the complement: LIPA is on the minus strand). VCF-style: chr10-89228242-T-C. GRCh37 (hg19) VCF-style: chr10-90987999-T-C.
Other names: c.386A>G (NM_000235.3); c.386A>G, p.His129Arg (NM_001127605.3); c.38A>G, p.His13Arg (NM_001288979.2); short protein forms H13R, H129R.
Identifiers: ClinVar variation 695055 (VCV000695055.9), dbSNP rs1423914418, ClinGen allele CA377517818.